The following is an entry in ClinVar:

NM_003803.4(MYOM1):c.4717C>T (p.Arg1573Trp)

Gene: MYOM1 (myomesin 1; minus strand). Cytogenetic location: 18p11.31.
Variant type: single nucleotide variant.
Coding change: c.4717C>T on transcript NM_003803.4 (MANE Select); coding-DNA position 4717, C replaced by T.
Protein change: p.Arg1573Trp; replaces arginine 1573 with tryptophan.
Molecular consequence: missense variant.
Genome position (GRCh38, 1-based): chr18:3,071,881, G>A on the plus strand (C>T on the coding strand, the complement: MYOM1 is on the minus strand). VCF-style: chr18-3071881-G-A. GRCh37 (hg19) VCF-style: chr18-3071879-G-A.
Other names: c.4429C>T, p.Arg1477Trp (NM_019856.2); short protein forms R1477W, R1573W.
Identifiers: ClinVar variation 1369147 (VCV001369147.11), dbSNP rs559625778, ClinGen allele CA295533701.

ClinVar aggregate classification (germline): Uncertain significance. Review status: criteria provided, multiple submitters, no conflicts (2 of 4 stars). 2 submissions from 2 submitters: Uncertain significance (2). Last evaluated 2025-07-27.

Conditions:
Hypertrophic cardiomyopathy. Also called: HYPERTROPHIC MYOCARDIOPATHY. Identifiers: Orphanet 217569, MedGen C0007194, MeSH D002312, MONDO:0005045, HP:0001639.

Allele frequency attached by ClinVar (database versions not stated): TOPMed 0.00003; gnomAD 0.00004; gnomAD exomes 0.00002; 1000 Genomes Project 30x 0.00016; 1000 Genomes Project 0.00020.
gnomAD v4.1: 44 of 1,604,652 alleles (0.0027%); highest among the groups gnomAD compares: East Asian, 0.0023%; no homozygotes.

Submissions (2):

Labcorp Genetics (formerly Invitae), Labcorp
Classification: Uncertain significance for Hypertrophic cardiomyopathy. Last evaluated: 2025-07-27. Review status: criteria provided, single submitter. Criteria: Invitae Variant Classification Sherloc (09022015). Collection method: clinical testing. Allele origin: germline.
Comment: This sequence change replaces arginine, which is basic and polar, with tryptophan, which is neutral and slightly polar, at codon 1573 of the MYOM1 protein (p.Arg1573Trp). The frequency data for this variant in the population databases is considered unreliable, as metrics indicate poor data quality at this position in the gnomAD database. This variant has not been reported in the literature in individuals affected with MYOM1-related conditions. ClinVar contains an entry for this variant (Variation ID: 1369147). Invitae Evidence Modeling of protein sequence and biophysical properties (such as structural, functional, and spatial information, amino acid conservation, physicochemical variation, residue mobility, and thermodynamic stability) indicates that this missense variant is not expected to disrupt MYOM1 protein function with a negative predictive value of 80%. In summary, the available evidence is currently insufficient to determine the role of this variant in disease. Therefore, it has been classified as a Variant of Uncertain Significance.

Ambry Genetics
Classification: Uncertain significance. Last evaluated: 2024-08-11. Review status: criteria provided, single submitter. Criteria: Ambry Variant Classification Scheme 2023. Collection method: clinical testing. Allele origin: germline.
Comment: The p.R1573W variant (also known as c.4717C>T), located in coding exon 36 of the MYOM1 gene, results from a C to T substitution at nucleotide position 4717. The arginine at codon 1573 is replaced by tryptophan, an amino acid with dissimilar properties. This amino acid position is conserved. In addition, this alteration is predicted to be deleterious by in silico analysis. Since supporting evidence is limited at this time, the clinical significance of this alteration remains unclear.